The following is an entry in ClinVar:

ClinVar aggregate classification (germline): Uncertain significance (1 of 4 stars; one submission).

Allele frequency attached by ClinVar (database versions not stated): gnomAD exomes below 0.00001.

Submission:

GeneDx
Classification: Uncertain significance. Last evaluated: 2023-04-07. Review status: criteria provided, single submitter. Criteria: GeneDx Variant Classification Process June 2021. Collection method: clinical testing. Allele origin: germline. Affected: yes.
Comment: Not observed at significant frequency in large population cohorts (gnomAD); Frameshift variant predicted to result in protein truncation as the last 20 amino acids are replaced with 12 different amino acids, although loss-of-function variants have not been reported downstream of this position in the protein; Has not been previously published as pathogenic or benign to our knowledge

NM_020634.3(GDF3):c.1035del (p.Asn345fs)

Gene: GDF3 (growth differentiation factor 3; minus strand). Cytogenetic location: 12p13.31.
Variant type: Deletion.
Coding change: c.1035del on transcript NM_020634.3 (MANE Select); coding-DNA position 1035, one base deleted (T; older notation c.1035delT).
Protein change: p.Asn345fs; shifts the reading frame from asparagine 345.
Molecular consequence: frameshift variant.
Genome position (GRCh38, 1-based): chr12:7,689,938, A deleted on the plus strand (T on the coding strand, the reverse complement: GDF3 is on the minus strand). VCF-style (leftmost placement, unchanged base first): chr12-7689937-CA-C. GRCh37 (hg19) VCF-style: chr12-7842533-CA-C.
Other names: short protein forms N345fs.
Identifiers: ClinVar variation 2662775 (VCV002662775.1), dbSNP rs2497338792, ClinGen allele CA2617430858.